The following is an entry in ClinVar:

ClinVar aggregate classification (germline): Pathogenic. Review status: criteria provided, single submitter (1 of 4 stars). 2 submissions from 2 submitters: Pathogenic (1). 1 of the submissions does not count toward it. Last evaluated 2023-02-23.

Conditions:
Hiatt-Neu-Cooper neurodevelopmental syndrome. Identifiers: MedGen C5543338, MONDO:0859142, OMIM 619311.

Submissions (2):

3billion
Classification: Pathogenic for Hiatt-Neu-Cooper neurodevelopmental syndrome. Last evaluated: 2023-02-23. Review status: criteria provided, single submitter. Criteria: ACMG Guidelines, 2015. Collection method: clinical testing. Allele origin: unknown. Affected: yes.
Comment: The variant is not observed in the gnomAD v2.1.1 dataset. Missense changes are a common disease-causing mechanism. Functional studies provide strong evidence of the variant having a damaging effect on the gene or gene product (PMID: 30500825). In silico tool predictions suggest damaging effect of the variant on gene or gene product (REVEL: 0.86). Same nucleotide change resulting in same amino acid change has been previously reported to be associated with RALA related disorder (ClinVar ID: VCV001068752 / PMID: 30500825). The variant has been previously reported as de novo in a similarly affected individual (PMID: 30500825, 30500825). A different missense change at the same codon (p.Val25Met) has been reported as pathogenic/likely pathogenic with strong evidence (ClinVar ID: VCV000521019). Therefore, this variant is classified as Pathogenic according to the recommendation of ACMG/AMP guideline.

OMIM
Classification: Pathogenic for HIATT-NEU-COOPER NEURODEVELOPMENTAL SYNDROME. Last evaluated: 2021-05-06. Review status: no assertion criteria provided. Collection method: literature only. Allele origin: germline. Not counted in ClinVar's aggregate classification.

Literature cited by the submitters: PubMed 30500825 (cited by 3billion and OMIM).

NM_005402.4(RALA):c.73G>T (p.Val25Leu)

Gene: RALA (RAS like proto-oncogene A; plus strand). Cytogenetic location: 7p14.1.
Variant type: single nucleotide variant.
Coding change: c.73G>T on transcript NM_005402.4 (MANE Select); coding-DNA position 73, G replaced by T.
Protein change: p.Val25Leu; replaces valine 25 with leucine.
Molecular consequence: missense variant.
Genome position (GRCh38, 1-based): chr7:39,686,740, G>T. VCF-style: chr7-39686740-G-T. GRCh37 (hg19) VCF-style: chr7-39726339-G-T.
Other names: short protein forms V25L.
Identifiers: ClinVar variation 1068752 (VCV001068752.2), dbSNP rs1554297905, ClinGen allele CA367304557.